The following is an entry in ClinVar:

NM_002609.4(PDGFRB):c.2176dup (p.Leu726fs)

Gene: PDGFRB (platelet derived growth factor receptor beta; minus strand). Cytogenetic location: 5q32.
Variant type: Duplication.
Coding change: c.2176dup on transcript NM_002609.4 (MANE Select); coding-DNA position 2176, one base duplicated (C; older notation c.2176dupC).
Protein change: p.Leu726fs; shifts the reading frame from leucine 726.
Molecular consequence: frameshift variant.
Genome position (GRCh38, 1-based): chr5:150,123,049, G duplicated on the plus strand (C on the coding strand, the reverse complement: PDGFRB is on the minus strand); the first of 5 consecutive G bases (chr5:150,123,049-150,123,053); duplicating any one gives the same sequence. VCF-style (leftmost placement, unchanged base first): chr5-150123048-A-AG. GRCh37 (hg19) VCF-style: chr5-149502611-A-AG.
Other names: c.1984dup, p.Leu662fs (NM_001355016.2); c.1693dup, p.Leu565fs (NM_001355017.2); short protein forms L565fs, L662fs, L726fs.
Identifiers: ClinVar variation 3344058 (VCV003344058.1).

ClinVar aggregate classification (germline): Uncertain significance (0 of 4 stars; one submission).

Conditions:
PDGFRB-related disorder. Also called: PDGFRB-related condition.

Submission:

PreventionGenetics, part of Exact Sciences
Classification: Uncertain significance for PDGFRB-related condition. Last evaluated: 2024-06-21. Review status: no assertion criteria provided. Collection method: clinical testing. Allele origin: germline.
Comment: The PDGFRB c.2176dupC variant is predicted to result in a frameshift and premature protein termination (p.Leu726Profs*52). To our knowledge, this variant has not been reported in the literature or in a large population database, indicating this variant is rare. Although we suspect that this variant may be pathogenic, at this time, the clinical significance of this variant is uncertain due to the absence of conclusive functional and genetic evidence.